The following is an entry in ClinVar:

ClinVar aggregate classification (germline): Uncertain significance (1 of 4 stars; one submission).

Allele frequency attached by ClinVar (database versions not stated): gnomAD 0.00001; TOPMed 0.00001; 1000 Genomes Project 30x 0.00016; 1000 Genomes Project 0.00020.
gnomAD v4.1: 1 of 1,613,938 alleles (0.000062%); highest among the groups gnomAD compares: African/African-American, 0.0013%; no homozygotes.

Submission:

GeneDx
Classification: Uncertain significance. Last evaluated: 2019-11-29. Review status: criteria provided, single submitter. Criteria: GeneDx Variant Classification Process June 2021. Collection method: clinical testing. Allele origin: germline. Affected: yes.
Comment: Not observed in large population cohorts (Lek et al., 2016); In silico analysis, which includes protein predictors and evolutionary conservation, supports a deleterious effect; Has not been previously published as pathogenic or benign to our knowledge

NM_014334.4(FRRS1L):c.425G>A (p.Gly142Asp)

Gene: FRRS1L (ferric chelate reductase 1 like; minus strand). Cytogenetic location: 9q31.3.
Variant type: single nucleotide variant.
Coding change: c.425G>A on transcript NM_014334.4 (MANE Select); coding-DNA position 425, G replaced by A.
Protein change: p.Gly142Asp; replaces glycine 142 with aspartic acid.
Molecular consequence: missense variant.
Genome position (GRCh38, 1-based): chr9:109,147,088, C>T on the plus strand (G>A on the coding strand, the complement: FRRS1L is on the minus strand). VCF-style: chr9-109147088-C-T. GRCh37 (hg19) VCF-style: chr9-111909368-C-T.
Other names: short protein forms G142D.
Identifiers: ClinVar variation 1310629 (VCV001310629.2), dbSNP rs564299741, ClinGen allele CA197567898.